The following is an entry in ClinVar:

ClinVar aggregate classification (germline): Uncertain significance. Review status: criteria provided, multiple submitters, no conflicts (2 of 4 stars). 5 submissions from 5 submitters: Uncertain significance (5). Last evaluated 2025-08-21.

Conditions:
Inborn genetic diseases. Identifiers: MedGen C0950123, MeSH D030342.

Allele frequency attached by ClinVar (database versions not stated): TOPMed 0.00008; gnomAD 0.00009 and 0.00010; gnomAD exomes 0.00012; ExAC 0.00025.
gnomAD v4.1: 188 of 1,604,096 alleles (0.012%); highest among the groups gnomAD compares: Non-Finnish European, 0.014%; no homozygotes.

Submissions (5):

GeneDx
Classification: Uncertain significance. Last evaluated: 2025-08-21. Review status: criteria provided, single submitter. Criteria: GeneDx Variant Classification Process June 2021. Collection method: clinical testing. Allele origin: germline. Affected: yes.
Comment: In silico analysis supports that this missense variant has a deleterious effect on protein structure/function; This variant is associated with the following publications: (PMID: 37965175, 39979677)

Blueprint Genetics
Classification: Uncertain significance. Last evaluated: 2024-03-15. Review status: criteria provided, single submitter. Criteria: ACMG Guidelines, 2015. Collection method: clinical testing. Allele origin: germline.

Labcorp Genetics (formerly Invitae), Labcorp
Classification: Uncertain significance. Last evaluated: 2022-10-28. Review status: criteria provided, single submitter. Criteria: Invitae Variant Classification Sherloc (09022015). Collection method: clinical testing. Allele origin: germline.
Comment: This sequence change replaces glycine, which is neutral and non-polar, with aspartic acid, which is acidic and polar, at codon 3856 of the HSPG2 protein (p.Gly3856Asp). This variant is present in population databases (rs778722013, gnomAD 0.02%). This variant has not been reported in the literature in individuals affected with HSPG2-related conditions. ClinVar contains an entry for this variant (Variation ID: 1312152). Algorithms developed to predict the effect of missense changes on protein structure and function (SIFT, PolyPhen-2, Align-GVGD) all suggest that this variant is likely to be tolerated. In summary, the available evidence is currently insufficient to determine the role of this variant in disease. Therefore, it has been classified as a Variant of Uncertain Significance.

Ambry Genetics
Classification: Uncertain significance for Inborn genetic diseases. Last evaluated: 2021-08-13. Review status: criteria provided, single submitter. Criteria: Ambry Variant Classification Scheme 2023. Collection method: clinical testing. Allele origin: germline.

Revvity Omics, Revvity
Classification: Uncertain significance. Last evaluated: 2019-02-25. Review status: criteria provided, single submitter. Criteria: ACMG Guidelines, 2015. Collection method: clinical testing. Allele origin: germline.

NM_005529.7(HSPG2):c.11567G>A (p.Gly3856Asp)

Gene: HSPG2 (heparan sulfate proteoglycan 2; minus strand). Cytogenetic location: 1p36.12.
Variant type: single nucleotide variant.
Coding change: c.11567G>A on transcript NM_005529.7 (MANE Select); coding-DNA position 11567, G replaced by A.
Protein change: p.Gly3856Asp; replaces glycine 3856 with aspartic acid.
Molecular consequence: missense variant.
Genome position (GRCh38, 1-based): chr1:21,831,086, C>T on the plus strand (G>A on the coding strand, the complement: HSPG2 is on the minus strand). VCF-style: chr1-21831086-C-T. GRCh37 (hg19) VCF-style: chr1-22157579-C-T.
Other names: c.11570G>A, p.Gly3857Asp (NM_001291860.2); short protein forms G3856D, G3857D.
Identifiers: ClinVar variation 1312152 (VCV001312152.12), dbSNP rs778722013, ClinGen allele CA669717.
Genomic context (GRCh38, chr1:21,831,086, plus strand): 5'-GTGAAGCCAGCTGGGCAGACGCACACGTAGCTGCTGCTCTCAGAGTCATGGCACTGACCG[C>T]CATTCTGCAAAGCAGCCCCCAGAAGTAAGGCCGAGAACATTCAGTACCCCCCATAATCCC-3'
Protein context (NP_005520.4, residues 3846-3866): PTCRDRPCQN[Gly3856Asp]GQCHDSESSS